The following is an entry in ClinVar:

NM_002206.3(ITGA7):c.3040C>T (p.Arg1014Ter)

Gene: ITGA7 (integrin subunit alpha 7; minus strand). Cytogenetic location: 12q13.2.
Variant type: single nucleotide variant.
Coding change: c.3040C>T on transcript NM_002206.3 (MANE Select); coding-DNA position 3040, C replaced by T.
Protein change: p.Arg1014Ter; replaces arginine 1014 with a stop codon.
Molecular consequence: nonsense.
Genome position (GRCh38, 1-based): chr12:55,688,219, G>A on the plus strand (C>T on the coding strand, the complement: ITGA7 is on the minus strand). VCF-style: chr12-55688219-G-A. GRCh37 (hg19) VCF-style: chr12-56082003-G-A.
Other names: c.3052C>T, p.Arg1018Ter (NM_001144996.2); c.2761C>T, p.Arg921Ter (NM_001144997.2); c.2713C>T, p.Arg905Ter (NM_001367993.1); c.1696C>T, p.Arg566Ter (NM_001367994.1); c.3022C>T, p.Arg1008Ter (NM_001374465.1); c.3172C>T, p.Arg1058Ter (NM_001410977.1); c.3034C>T, p.Arg1012Ter (NM_001414029.1); c.2965C>T, p.Arg989Ter (NM_001414030.1); and 5 more; short protein forms R1014*, R921*, R1018*, R566*, R905*, R1008*, R1058*, R939*.
Identifiers: ClinVar variation 432067 (VCV000432067.8), dbSNP rs377510220, ClinGen allele CA6615369.
Genomic context (GRCh38, chr12:55,688,219, plus strand): 5'-AGAAGAGAGTCCTCCCCACCTATCCCCCAACCCTGCAGCTCACCACTGTGGAGGCATCTC[G>A]GAGCATCAAGTTCTTTATGGAGGACTTCACTGTGATGTTGGCCCGGACAATCACTTCCAG-3'

ClinVar aggregate classification (germline): Conflicting classifications of pathogenicity. Review status: criteria provided, conflicting classifications (1 of 4 stars). 3 submissions from 3 submitters: Pathogenic (2); Uncertain significance (1). Last evaluated 2025-05-15.

Conditions:
Congenital muscular dystrophy due to integrin alpha-7 deficiency. Also called: MYOPATHY, CONGENITAL, DUE TO INTEGRIN ALPHA-7 DEFICIENCY; Congenital muscular dystrophy with integrin alpha-7 deficiency; Muscular dystrophy, congenital, due to ITGA7 deficiency. Identifiers: Orphanet 34520, MedGen C2750786, MONDO:0013177, OMIM 613204.

Allele frequency attached by ClinVar (database versions not stated): gnomAD 0.00001; ESP Exome Variant Server 0.00008; TOPMed 0.00002.

Submissions (3):

3billion
Classification: Pathogenic for Congenital muscular dystrophy due to integrin alpha-7 deficiency. Last evaluated: 2025-05-15. Review status: criteria provided, single submitter. Criteria: ACMG Guidelines, 2015. Collection method: clinical testing. Allele origin: germline. Affected: yes.
Comment: The variant is observed at an extremely low frequency in the gnomAD v4.1.0 dataset (total allele frequency: 0.001%). Predicted Consequence/Location: Stop-gained (nonsense): predicted to result in a loss or disruption of normal protein function through nonsense-mediated decay (NMD) or protein truncation. A pathogenic variant is reported downstream of the variant. The variant has been reported to be associated with ITGA7-related disorder (ClinVar ID: VCV000432067). Therefore, this variant is classified as Pathogenic according to the recommendation of ACMG/AMP guideline.

Labcorp Genetics (formerly Invitae), Labcorp
Classification: Pathogenic for Congenital muscular dystrophy due to integrin alpha-7 deficiency. Last evaluated: 2022-09-25. Review status: criteria provided, single submitter. Criteria: Invitae Variant Classification Sherloc (09022015). Collection method: clinical testing. Allele origin: germline.
Comment: For these reasons, this variant has been classified as Pathogenic. ClinVar contains an entry for this variant (Variation ID: 432067). This variant has not been reported in the literature in individuals affected with ITGA7-related conditions. This variant is present in population databases (rs377510220, gnomAD 0.04%). This sequence change creates a premature translational stop signal (p.Arg1014*) in the ITGA7 gene. It is expected to result in an absent or disrupted protein product. Loss-of-function variants in ITGA7 are known to be pathogenic (PMID: 9590299).

GeneDx
Classification: Uncertain significance. Last evaluated: 2020-02-18. Review status: criteria provided, single submitter. Criteria: GeneDx Variant Classification Process June 2021. Collection method: clinical testing. Allele origin: germline. Affected: yes.
Comment: Nonsense variant predicted to result in protein truncation or nonsense mediated decay in a gene for which loss-of-function is a known mechanism of disease; Has not been previously published as pathogenic or benign to our knowledge

Literature cited by the submitters: PubMed 9590299 (cited by Labcorp Genetics (formerly Invitae), Labcorp).